The following is an entry in ClinVar:

NM_000051.4(ATM):c.7519_7520del

Genes: ATM (ATM serine/threonine kinase; plus strand), C11orf65 (chromosome 11 open reading frame 65; minus strand). Cytogenetic location: 11q22.3.
Variant type: Microsatellite.
Coding change: c.7519_7520del on transcript NM_000051.4 (MANE Select); coding-DNA positions 7519 to 7520, 2 bases deleted (GA; older notation c.7519_7520delGA).
Molecular consequence: splice acceptor variant. On other transcripts: non-coding transcript variant (1), intron variant (2).
Genome position (GRCh38, 1-based): chr11:108,331,447-108,331,448, GA deleted; deleting any 2 consecutive bases within chr11:108,331,442-108,331,448 gives the same sequence; the c. name uses the placement nearest the transcript's 3' end. VCF-style (leftmost placement, unchanged base first): chr11-108331441-TAG-T. GRCh37 (hg19) VCF-style: chr11-108202168-TAG-T.
Other names: c.7519_7520delGA (NM_000051.4); c.7519_7520del (NM_000051.3); c.641-22376CT[2] (NM_001330368.2); c.*38+3773CT[2] (NM_001351110.2).
Identifiers: ClinVar variation 827096 (VCV000827096.37), dbSNP rs587781905, ClinGen allele CA913188489.
Genomic context (GRCh38, chr11:108,331,441, plus strand): 5'-CTTAGATGTGAGAATATTTGAAATACCTTGTTTCTTAATTTTGTGTCTTTTTTTTAATGG[TAG>T]AGAGACGGAATGAAGATTCCAACATATAAATTTTTGCCTCTTATGTACCAATTGGCTGCT-3'

ClinVar aggregate classification (germline): Pathogenic. Review status: criteria provided, multiple submitters, no conflicts (2 of 4 stars). 7 submissions from 7 submitters: Pathogenic (6). 1 of the submissions does not count toward it. Last evaluated 2025-10-13.

Conditions:
Hereditary cancer-predisposing syndrome. Also called: Tumor predisposition; Neoplastic Syndromes, Hereditary; Hereditary Cancer Syndrome; Hereditary neoplastic syndrome. Identifiers: Orphanet 140162, MedGen C0027672, MeSH D009386, MONDO:0015356.
Gastric cancer. Also called: Stomach cancer; Malignant tumor of stomach. Identifiers: MedGen C0024623, MeSH D013274, MONDO:0001056, OMIM 613659, HP:0012126.
Familial cancer of breast. Also called: Hereditary breast cancer; BREAST CANCER, FAMILIAL; hereditary breast carcinoma. Identifiers: Orphanet 227535, MedGen C0346153, MONDO:0016419, OMIM 114480. Disease mechanism: loss of function.
Ataxia-telangiectasia syndrome (AT). Also called: ATAXIA-TELANGIECTASIA, COMPLEMENTATION GROUP A; ATAXIA-TELANGIECTASIA, FRESNO VARIANT; Ataxia-telangiectasia; Ataxia-telangiectasia, complementation group D; AT, COMPLEMENTATION GROUP C; Ataxia-telangiectasia, complementation group E. Identifiers: Orphanet 100, MedGen C0004135, MONDO:0008840, OMIM 208900.

Submissions (7):

Women's Health and Genetics/Laboratory Corporation of America, LabCorp
Classification: Pathogenic for Ataxia-telangiectasia syndrome. Last evaluated: 2025-10-13. Review status: criteria provided, single submitter. Criteria: LabCorp Variant Classification Summary - May 2015. Collection method: clinical testing. Allele origin: germline.
Comment: Variant summary: ATM c.7519_7520delGA (p.Asp2507ArgfsX8) results in a premature termination codon, predicted to cause a truncation of the encoded protein or absence of the protein due to nonsense mediated decay, which are commonly known mechanisms for disease. The variant was absent in 250380 control chromosomes. c.7519_7520delGA has been observed in individual(s) affected with Ataxia-telangiectasia syndrome (e.g. Delia_2000). These report(s) do not provide unequivocal conclusions about association of the variant with Ataxia-telangiectasia syndrome. To our knowledge, no experimental evidence demonstrating an impact on protein function has been reported. The following publication has been ascertained in the context of this evaluation (PMID: 10864201). ClinVar contains an entry for this variant (Variation ID: 827096). Based on the evidence outlined above, the variant was classified as pathogenic.

Ambry Genetics
Classification: Pathogenic for Hereditary cancer-predisposing syndrome. Last evaluated: 2024-09-24. Review status: criteria provided, single submitter. Criteria: Ambry Variant Classification Scheme 2023. Collection method: clinical testing. Allele origin: germline.
Comment: The c.7519_7520delGA variant, located in coding exon 50 of the ATM gene, results from a deletion of two nucleotides at nucleotide positions 7519 to 7520, causing a translational frameshift with a predicted alternate stop codon (p.D2507Rfs*8). This variant was detected in an individual with ataxia telangiectasia (AT) and ATM protein was absent in immunoblot studies (Delia D et al. Br. J. Cancer, 2000 Jun;82:1938-45). This alteration is expected to result in loss of function by premature protein truncation or nonsense-mediated mRNA decay. As such, this alteration is interpreted as a disease-causing mutation.

GeneDx
Classification: Pathogenic. Last evaluated: 2024-03-17. Review status: criteria provided, single submitter. Criteria: GeneDx Variant Classification Process June 2021. Collection method: clinical testing. Allele origin: germline. Affected: yes.
Comment: Frameshift variant predicted to result in protein truncation or nonsense mediated decay in a gene for which loss of function is a known mechanism of disease; Reported in an individual with ataxia telangiectasia and patient-derived cells demonstrated reduced ATM protein expression and kinase activity (PMID: 10864201); Truncating variants in this gene are considered pathogenic by a well-established clinical consortium and/or database; Not observed at significant frequency in large population cohorts (gnomAD); Also known as 7519delGA; This variant is associated with the following publications: (PMID: 10864201, 33309985, 32980694, 36243179)

Myriad Genetics, Inc.
Classification: Pathogenic for Familial cancer of breast. Last evaluated: 2023-05-10. Review status: criteria provided, single submitter. Criteria: Myriad Autosomal Dominant, Autosomal Recessive and X-Linked Classification Criteria (2023). Collection method: clinical testing. Allele origin: unknown.
Comment: This variant is considered pathogenic. This variant creates a frameshift predicted to result in premature protein truncation.

Color Diagnostics, LLC DBA Color Health
Classification: Pathogenic for Hereditary cancer-predisposing syndrome. Last evaluated: 2022-01-10. Review status: criteria provided, single submitter. Criteria: ACMG Guidelines, 2015. Collection method: clinical testing. Allele origin: germline.
Comment: This variant deletes 2 nucleotides in exon 51 of the ATM gene, creating a frameshift and premature translation stop signal. This variant is expected to result in an absent or non-functional protein product. This variant has been observed in an individual with ataxia-telangiectasia (PMID: 10864201). This variant has not been identified in the general population by the Genome Aggregation Database (gnomAD). Loss of ATM function is a known mechanism of disease. Based on the available evidence, this variant is classified as Pathogenic.

Labcorp Genetics (formerly Invitae), Labcorp
Classification: Pathogenic for Ataxia-telangiectasia syndrome. Last evaluated: 2021-05-12. Review status: criteria provided, single submitter. Criteria: Invitae Variant Classification Sherloc (09022015). Collection method: clinical testing. Allele origin: germline.
Comment: This variant has been observed in individual(s) with clinical features of ataxia-telangiectasia (PMID: 10864201). ClinVar contains an entry for this variant (Variation ID: 827096). This sequence change creates a premature translational stop signal (p.Asp2507Argfs*8) in the ATM gene. It is expected to result in an absent or disrupted protein product. Loss-of-function variants in ATM are known to be pathogenic (PMID: 23807571, 25614872). This variant is not present in population databases (ExAC no frequency). Experimental studies have shown that this variant affects ATM protein function (PMID: 10864201). For these reasons, this variant has been classified as Pathogenic.

Laboratory for Genotyping Development, RIKEN
Classification: Pathogenic for Gastric cancer. Last evaluated: 2021-07-01. Review status: no assertion criteria provided. Collection method: research. Allele origin: germline. Not counted in ClinVar's aggregate classification.

Literature cited by the submitters: PubMed 10864201 (cited by 4 submitters); PubMed 23807571 (cited by Labcorp Genetics (formerly Invitae), Labcorp); PubMed 25614872 (cited by Labcorp Genetics (formerly Invitae), Labcorp); PubMed 36988593 (cited by Laboratory for Genotyping Development, RIKEN).